The following is an entry in ClinVar:

ClinVar aggregate classification (germline): Uncertain significance (1 of 4 stars; one submission).

Conditions:
Inclusion body myopathy with early-onset Paget disease with or without frontotemporal dementia 2 (IBMPFD2). Also called: MULTISYSTEM PROTEINOPATHY 2. Identifiers: MedGen C3809468, MONDO:0014178, OMIM 615422.

Allele frequency attached by ClinVar (database versions not stated): TOPMed below 0.00001; ExAC 0.00002.

Submission:

Labcorp Genetics (formerly Invitae), Labcorp
Classification: Uncertain significance for Inclusion body myopathy with early-onset Paget disease with or without frontotemporal dementia 2. Last evaluated: 2023-12-10. Review status: criteria provided, single submitter. Criteria: Invitae Variant Classification Sherloc (09022015). Collection method: clinical testing. Allele origin: germline.
Comment: This sequence change replaces arginine, which is basic and polar, with histidine, which is basic and polar, at codon 213 of the HNRNPA2B1 protein (p.Arg213His). This variant is present in population databases (rs755438446, gnomAD 0.003%). This variant has not been reported in the literature in individuals affected with HNRNPA2B1-related conditions. Advanced modeling of protein sequence and biophysical properties (such as structural, functional, and spatial information, amino acid conservation, physicochemical variation, residue mobility, and thermodynamic stability) performed at Invitae indicates that this missense variant is not expected to disrupt HNRNPA2B1 protein function with a negative predictive value of 80%. In summary, the available evidence is currently insufficient to determine the role of this variant in disease. Therefore, it has been classified as a Variant of Uncertain Significance.

NM_002137.4(HNRNPA2B1):c.602G>A (p.Arg201His)

Gene: HNRNPA2B1 (heterogeneous nuclear ribonucleoprotein A2/B1; minus strand). Cytogenetic location: 7p15.2.
Variant type: single nucleotide variant.
Coding change: c.602G>A on transcript NM_002137.4 (MANE Select); coding-DNA position 602, G replaced by A.
Protein change: p.Arg201His; replaces arginine 201 with histidine.
Molecular consequence: missense variant.
Genome position (GRCh38, 1-based): chr7:26,196,457, C>T on the plus strand (G>A on the coding strand, the complement: HNRNPA2B1 is on the minus strand). VCF-style: chr7-26196457-C-T. GRCh37 (hg19) VCF-style: chr7-26236077-C-T.
Other names: c.638G>A, p.Arg213His (NM_031243.4); short protein forms R213H, R201H.
Identifiers: ClinVar variation 2862982 (VCV002862982.3), dbSNP rs755438446, ClinGen allele CA4194575.